The following is an entry in ClinVar:

ClinVar aggregate classification (germline): Pathogenic/Likely pathogenic. Review status: criteria provided, multiple submitters, no conflicts (2 of 4 stars). 2 submissions from 2 submitters: Pathogenic (1); Likely pathogenic (1). Last evaluated 2021-04-23.

Conditions:
Hypohidrotic X-linked ectodermal dysplasia (XHED). Also called: ECTODERMAL DYSPLASIA 1; Christ-Siemans-Touraine syndrome; Anhidrotic ectodermal dysplasia X-linked; Christ Siemens Touraine syndrome; ECTODERMAL DYSPLASIA 1, HYPOHIDROTIC/HAIR/TOOTH TYPE, X-LINKED; ECTODERMAL DYSPLASIA 1, HYPOHIDROTIC, X-LINKED. Identifiers: Orphanet 181, Orphanet 238468, MedGen C0162359, MONDO:0010585, OMIM 305100.

Submissions (2):

Labcorp Genetics (formerly Invitae), Labcorp
Classification: Likely pathogenic for Hypohidrotic X-linked ectodermal dysplasia. Last evaluated: 2021-04-23. Review status: criteria provided, single submitter. Criteria: Invitae Variant Classification Sherloc (09022015). Collection method: clinical testing. Allele origin: germline.
Comment: In summary, the currently available evidence indicates that the variant is pathogenic, but additional data are needed to prove that conclusively. Therefore, this variant has been classified as Likely Pathogenic. Advanced modeling of protein sequence and biophysical properties (such as structural, functional, and spatial information, amino acid conservation, physicochemical variation, residue mobility, and thermodynamic stability) performed at Invitae indicates that this missense variant is expected to disrupt EDA protein function. This variant has been observed in individual(s) with clinical features of ectodermal dysplasia (Invitae). ClinVar contains an entry for this variant (Variation ID: 996827). This variant is not present in population databases (ExAC no frequency). This sequence change replaces glycine with glutamic acid at codon 207 of the EDA protein (p.Gly207Glu). The glycine residue is highly conserved and there is a moderate physicochemical difference between glycine and glutamic acid.

Medical Molecular Genetics Department, National Research Center
Classification: Pathogenic for Hypohidrotic X-linked ectodermal dysplasia. Last evaluated: 2021-02-13. Review status: criteria provided, single submitter. Criteria: ACMG Guidelines, 2015. Collection method: research. Allele origin: maternal. Affected: yes.

NM_001399.5(EDA):c.620G>A (p.Gly207Glu)

Gene: EDA (ectodysplasin A; plus strand). Cytogenetic location: Xq13.1.
Variant type: single nucleotide variant.
Coding change: c.620G>A on transcript NM_001399.5 (MANE Select); coding-DNA position 620, G replaced by A.
Protein change: p.Gly207Glu; replaces glycine 207 with glutamic acid.
Molecular consequence: missense variant.
Genome position (GRCh38, 1-based): chrX:70,027,950, G>A. VCF-style: chrX-70027950-G-A. GRCh37 (hg19) VCF-style: chrX-69247800-G-A.
Other names: c.620G>A, p.Gly207Glu (NM_001005609.2, NM_001005612.3); short protein forms G207E.
Identifiers: ClinVar variation 996827 (VCV000996827.8), dbSNP rs2020139491, ClinGen allele CA413448363.